The following is an entry in ClinVar:

NM_018062.4(FANCL):c.385_397del (p.Ala129fs)

Gene: FANCL (FA complementation group L; minus strand). Cytogenetic location: 2p16.1.
Variant type: Deletion.
Coding change: c.385_397del on transcript NM_018062.4 (MANE Select); coding-DNA positions 385 to 397, 13 bases deleted (GCGGATACCTGCT).
Protein change: p.Ala129fs; shifts the reading frame from alanine 129.
Molecular consequence: frameshift variant.
Genome position (GRCh38, 1-based): chr2:58,204,204-58,204,216, AGCAGGTATCCGC deleted on the plus strand (GCGGATACCTGCT on the coding strand, the reverse complement: FANCL is on the minus strand); deleting any 13 consecutive bases within chr2:58,204,204-58,204,217 gives the same sequence; the c. name uses the placement nearest the transcript's 3' end. VCF-style (leftmost placement, unchanged base first): chr2-58204203-AAGCAGGTATCCGC-A. GRCh37 (hg19) VCF-style: chr2-58431338-AAGCAGGTATCCGC-A.
Other names: c.384_396delTGCGGATACCTGC, p.Ala129Serfs (NM_001114636.2); c.385_397del, p.Ala129fs (NM_001374615.1, NM_001410792.1); short protein forms A129fs.
Identifiers: ClinVar variation 1376735 (VCV001376735.6), dbSNP rs2105148069, ClinGen allele CA2573134958.

ClinVar aggregate classification (germline): Pathogenic (1 of 4 stars; one submission).

Conditions:
Fanconi anemia (FA). Also called: Fanconi's anemia. Identifiers: Orphanet 84, MedGen C0015625, MeSH D005199, MONDO:0019391.

Submission:

Labcorp Genetics (formerly Invitae), Labcorp
Classification: Pathogenic for Fanconi anemia. Last evaluated: 2021-11-22. Review status: criteria provided, single submitter. Criteria: Invitae Variant Classification Sherloc (09022015). Collection method: clinical testing. Allele origin: germline.
Comment: This variant has not been reported in the literature in individuals affected with FANCL-related conditions. This variant is not present in population databases (gnomAD no frequency). This sequence change creates a premature translational stop signal (p.Ala129Serfs*6) in the FANCL gene. It is expected to result in an absent or disrupted protein product. Loss-of-function variants in FANCL are known to be pathogenic (PMID: 19405097, 23613520). For these reasons, this variant has been classified as Pathogenic.

Literature cited by the submitters: PubMed 19405097; PubMed 23613520.